The following is an entry in ClinVar:

ClinVar aggregate classification (germline): Pathogenic (1 of 4 stars; one submission).

Conditions:
Hereditary spastic paraplegia 4. Also called: Familial spastic paraplegia autosomal dominant 2; Spastic paraplegia 4, autosomal dominant; Spastic Paraplegia 4. Identifiers: Orphanet 100985, MedGen C1866855, MONDO:0008438, OMIM 182601.

Submission:

Labcorp Genetics (formerly Invitae), Labcorp
Classification: Pathogenic for Hereditary spastic paraplegia 4. Last evaluated: 2018-04-03. Review status: criteria provided, single submitter. Criteria: Invitae Variant Classification Sherloc (09022015). Collection method: clinical testing. Allele origin: germline.
Comment: This variant is an out-of-frame deletion of the genomic region encompassing exons 5-16 of the SPAST gene. This is expected to create a premature translational stop signal, while this is not anticipated to result in nonsense mediated decay, it is expected¬†to result in a disrupted protein product. A similar deletion of exons 5-16 has been reported in an individual affected with spastic paraplegia (PMID: 25065914). This deletion encompasses a portion of the microtubule binding domain and the entire ATPase Associated with various cellular Activities (AAA) domain. A significant number of previously reported missense mutations have been found within these domains (PMID: 10699187, 18701882, 11809724). These observations suggest that a deletion of these domains will also affect protein function. For these reasons, this variant has been classified as Pathogenic.

Literature cited by the submitters: PubMed 25065914; PubMed 10699187; PubMed 18701882; PubMed 11809724.

NC_000002.12:g.(?_32114618)_(32147278_?)del

Gene: SPAST (spastin; plus strand). Cytogenetic location: 2p22.3.
Variant type: Deletion.
Identifiers: ClinVar variation 584023 (VCV000584023.3).